The following is an entry in ClinVar:

ClinVar aggregate classification (germline): Uncertain significance (1 of 4 stars; one submission).

Allele frequency attached by ClinVar (database versions not stated): gnomAD exomes below 0.00001; TOPMed 0.00001.
gnomAD v4.1: 2 of 1,598,352 alleles (0.00013%); highest among the groups gnomAD compares: Non-Finnish European, 0.00017%; no homozygotes.

Submission:

Labcorp Genetics (formerly Invitae), Labcorp
Classification: Uncertain significance. Last evaluated: 2022-06-20. Review status: criteria provided, single submitter. Criteria: Invitae Variant Classification Sherloc (09022015). Collection method: clinical testing. Allele origin: germline.
Comment: This sequence change replaces valine, which is neutral and non-polar, with isoleucine, which is neutral and non-polar, at codon 640 of the GNPAT protein (p.Val640Ile). This variant is not present in population databases (gnomAD no frequency). This variant has not been reported in the literature in individuals affected with GNPAT-related conditions. Algorithms developed to predict the effect of missense changes on protein structure and function (SIFT, PolyPhen-2, Align-GVGD) all suggest that this variant is likely to be tolerated. In summary, the available evidence is currently insufficient to determine the role of this variant in disease. Therefore, it has been classified as a Variant of Uncertain Significance.

NM_014236.4(GNPAT):c.1918G>A (p.Val640Ile)

Gene: GNPAT (glyceronephosphate O-acyltransferase; plus strand). Cytogenetic location: 1q42.2.
Variant type: single nucleotide variant.
Coding change: c.1918G>A on transcript NM_014236.4 (MANE Select); coding-DNA position 1918, G replaced by A.
Protein change: p.Val640Ile; replaces valine 640 with isoleucine.
Molecular consequence: missense variant.
Genome position (GRCh38, 1-based): chr1:231,275,479, G>A. VCF-style: chr1-231275479-G-A. GRCh37 (hg19) VCF-style: chr1-231411225-G-A.
Other names: c.1735G>A, p.Val579Ile (NM_001316350.2); short protein forms V640I, V579I.
Identifiers: ClinVar variation 1392858 (VCV001392858.3), dbSNP rs1408478501, ClinGen allele CA345240285.